The following is an entry in ClinVar:

NM_014780.5(CUL7):c.2851C>T (p.Arg951Cys)

Gene: CUL7 (cullin 7; minus strand). Cytogenetic location: 6p21.1.
Variant type: single nucleotide variant.
Coding change: c.2851C>T on transcript NM_014780.5 (MANE Select); coding-DNA position 2851, C replaced by T.
Protein change: p.Arg951Cys; replaces arginine 951 with cysteine.
Molecular consequence: missense variant.
Genome position (GRCh38, 1-based): chr6:43,045,598, G>A on the plus strand (C>T on the coding strand, the complement: CUL7 is on the minus strand). VCF-style: chr6-43045598-G-A. GRCh37 (hg19) VCF-style: chr6-43013336-G-A.
Other names: c.2947C>T, p.Arg983Cys (NM_001168370.2, NM_001374872.1); c.2851C>T, p.Arg951Cys (NM_001374873.1, NM_001374874.1); c.2851C>T (NM_014780.4); short protein forms R951C, R983C.
Identifiers: ClinVar variation 2165245 (VCV002165245.4), dbSNP rs755956786, ClinGen allele CA3813678.
Genomic context (GRCh38, chr6:43,045,598, plus strand): 5'-GGGCTCAGAGCCCCCTACCCAGGGCCACACCCCACATCCCTGGCCCCACCTGCTGGCAGC[G>A]CTTTATGCGGATCTGGATGATGGGCCAGAAGCGGGTCAGGTTCTCCAGGAGGATCACCCG-3'
Protein context (NP_055595.2, residues 941-961): FWPIIQIRIK[Arg951Cys]CQQGGIDTRI

ClinVar aggregate classification (germline): Uncertain significance. Review status: criteria provided, multiple submitters, no conflicts (2 of 4 stars). 2 submissions from 2 submitters: Uncertain significance (2). Last evaluated 2022-07-26.

Conditions:
Inborn genetic diseases. Identifiers: MedGen C0950123, MeSH D030342.

Allele frequency attached by ClinVar (database versions not stated): ExAC 0.00001; gnomAD exomes 0.00001; TOPMed 0.00003; gnomAD 0.00004.

Submissions (2):

Labcorp Genetics (formerly Invitae), Labcorp
Classification: Uncertain significance. Last evaluated: 2022-07-26. Review status: criteria provided, single submitter. Criteria: Invitae Variant Classification Sherloc (09022015). Collection method: clinical testing. Allele origin: germline.
Comment: This variant has not been reported in the literature in individuals affected with CUL7-related conditions. In summary, the available evidence is currently insufficient to determine the role of this variant in disease. Therefore, it has been classified as a Variant of Uncertain Significance. Algorithms developed to predict the effect of missense changes on protein structure and function are either unavailable or do not agree on the potential impact of this missense change (SIFT: "Deleterious"; PolyPhen-2: "Probably Damaging"; Align-GVGD: "Class C15"). This variant is present in population databases (rs755956786, gnomAD 0.0009%). This sequence change replaces arginine, which is basic and polar, with cysteine, which is neutral and slightly polar, at codon 951 of the CUL7 protein (p.Arg951Cys).

Ambry Genetics
Classification: Uncertain significance for Inborn genetic diseases. Last evaluated: 2021-09-01. Review status: criteria provided, single submitter. Criteria: Ambry Variant Classification Scheme 2023. Collection method: clinical testing. Allele origin: germline.